The following is an entry in ClinVar:

ClinVar aggregate classification (germline): Uncertain significance (1 of 4 stars; one submission).

Allele frequency attached by ClinVar (database versions not stated): gnomAD exomes below 0.00001.
gnomAD v4.1: 1 of 1,614,190 alleles (0.000062%); highest among the groups gnomAD compares: Non-Finnish European, 0.000085%; no homozygotes.

Submission:

Labcorp Genetics (formerly Invitae), Labcorp
Classification: Uncertain significance. Last evaluated: 2021-09-07. Review status: criteria provided, single submitter. Criteria: Invitae Variant Classification Sherloc (09022015). Collection method: clinical testing. Allele origin: germline.
Comment: This variant has not been reported in the literature in individuals affected with CYP4V2-related conditions. This variant is not present in population databases (ExAC no frequency). This sequence change replaces lysine with arginine at codon 293 of the CYP4V2 protein (p.Lys293Arg). The lysine residue is weakly conserved and there is a small physicochemical difference between lysine and arginine. In summary, the available evidence is currently insufficient to determine the role of this variant in disease. Therefore, it has been classified as a Variant of Uncertain Significance. Algorithms developed to predict the effect of sequence changes on RNA splicing suggest that this variant may create or strengthen a splice site. Advanced modeling of protein sequence and biophysical properties (such as structural, functional, and spatial information, amino acid conservation, physicochemical variation, residue mobility, and thermodynamic stability) performed at Invitae indicates that this missense variant is not expected to disrupt CYP4V2 protein function.

NM_207352.4(CYP4V2):c.878A>G (p.Lys293Arg)

Gene: CYP4V2 (cytochrome P450 family 4 subfamily V member 2; plus strand). Cytogenetic location: 4q35.2.
Variant type: single nucleotide variant.
Coding change: c.878A>G on transcript NM_207352.4 (MANE Select); coding-DNA position 878, A replaced by G.
Protein change: p.Lys293Arg; replaces lysine 293 with arginine.
Molecular consequence: missense variant.
Genome position (GRCh38, 1-based): chr4:186,201,233, A>G. VCF-style: chr4-186201233-A-G. GRCh37 (hg19) VCF-style: chr4-187122387-A-G.
Other names: short protein forms K293R.
Identifiers: ClinVar variation 1506396 (VCV001506396.6), dbSNP rs924936932, ClinGen allele CA112127757.
Genomic context (GRCh38, chr4:186,201,233, plus strand): 5'-CCAATGAAATGAACGCCAATGAAGACTGTAGAGGTGATGGCAGGGGCTCTGCCCCCTCCA[A>G]AAATAAACGCAGGGCCTTTCTTGACTTGCTTTTAAGTGTGACTGATGACGAAGGGAACAG-3'
Protein context (NP_997235.3, residues 283-303): RGDGRGSAPS[Lys293Arg]NKRRAFLDLL